The following is an entry in ClinVar:

ClinVar aggregate classification (germline): Uncertain significance (1 of 4 stars; one submission).

Submission:

GeneDx
Classification: Uncertain significance. Last evaluated: 2022-07-07. Review status: criteria provided, single submitter. Criteria: GeneDx Variant Classification Process June 2021. Collection method: clinical testing. Allele origin: germline. Affected: yes.
Comment: Not observed at significant frequency in large population cohorts (gnomAD); In silico analysis supports that this missense variant has a deleterious effect on protein structure/function; Has not been previously published as pathogenic or benign to our knowledge

NM_003024.3(ITSN1):c.1102C>G (p.Arg368Gly)

Gene: ITSN1 (intersectin 1; plus strand). Cytogenetic location: 21q22.11.
Variant type: single nucleotide variant.
Coding change: c.1102C>G on transcript NM_003024.3 (MANE Select); coding-DNA position 1102, C replaced by G.
Protein change: p.Arg368Gly; replaces arginine 368 with glycine.
Molecular consequence: missense variant.
Genome position (GRCh38, 1-based): chr21:33,772,120, C>G. VCF-style: chr21-33772120-C-G. GRCh37 (hg19) VCF-style: chr21-35144424-C-G.
Other names: c.1102C>G, p.Arg368Gly (NM_001001132.2, NM_001331008.2, NM_001331009.2 and 2 more transcripts); c.991C>G, p.Arg331Gly (NM_001331012.2); short protein forms R368G, R331G.
Identifiers: ClinVar variation 1810522 (VCV001810522.1), dbSNP rs775749120, ClinGen allele CA410121851.